The following is an entry in ClinVar:

ClinVar aggregate classification (germline): Uncertain significance. Review status: criteria provided, multiple submitters, no conflicts (2 of 4 stars). 3 submissions from 3 submitters: Uncertain significance (3). Last evaluated 2024-04-13.

Conditions:
Hereditary cancer-predisposing syndrome. Also called: Neoplastic Syndromes, Hereditary; Hereditary Cancer Syndrome; Hereditary neoplastic syndrome; Tumor predisposition. Identifiers: Orphanet 140162, MedGen C0027672, MeSH D009386, MONDO:0015356.
Hereditary diffuse gastric adenocarcinoma (HDGC). Also called: DIFFUSE GASTRIC AND LOBULAR BREAST CANCER SYNDROME. Identifiers: Orphanet 26106, MedGen C1708349, MONDO:0007648, OMIM 137215.

Allele frequency attached by ClinVar (database versions not stated): gnomAD exomes below 0.00001.
gnomAD v4.1: 6 of 1,614,076 alleles (0.00037%); highest among the groups gnomAD compares: Non-Finnish European, 0.00034%; no homozygotes.

Submissions (3):

Ambry Genetics
Classification: Uncertain significance for Hereditary cancer-predisposing syndrome. Last evaluated: 2024-04-13. Review status: criteria provided, single submitter. Criteria: Ambry Variant Classification Scheme 2023. Collection method: clinical testing. Allele origin: germline.
Comment: The p.Y797C variant (also known as c.2390A>G), located in coding exon 15 of the CDH1 gene, results from an A to G substitution at nucleotide position 2390. The tyrosine at codon 797 is replaced by cysteine, an amino acid with highly dissimilar properties. This amino acid position is highly conserved in available vertebrate species. In addition, this alteration is predicted to be deleterious by in silico analysis. Since supporting evidence is limited at this time, the clinical significance of this alteration remains unclear.

Labcorp Genetics (formerly Invitae), Labcorp
Classification: Uncertain significance for Hereditary diffuse gastric adenocarcinoma. Last evaluated: 2023-04-12. Review status: criteria provided, single submitter. Criteria: Invitae Variant Classification Sherloc (09022015). Collection method: clinical testing. Allele origin: germline.
Comment: This sequence change replaces tyrosine, which is neutral and polar, with cysteine, which is neutral and slightly polar, at codon 797 of the CDH1 protein (p.Tyr797Cys). This variant is not present in population databases (gnomAD no frequency). This variant has not been reported in the literature in individuals affected with CDH1-related conditions. ClinVar contains an entry for this variant (Variation ID: 142338). An algorithm developed to predict the effect of missense changes on protein structure and function (PolyPhen-2) suggests that this variant is likely to be disruptive. In summary, the available evidence is currently insufficient to determine the role of this variant in disease. Therefore, it has been classified as a Variant of Uncertain Significance.

Color Diagnostics, LLC DBA Color Health
Classification: Uncertain significance for Hereditary cancer-predisposing syndrome. Last evaluated: 2019-04-11. Review status: criteria provided, single submitter. Criteria: ACMG Guidelines, 2015. Collection method: clinical testing. Allele origin: germline.

NM_004360.5(CDH1):c.2390A>G (p.Tyr797Cys)

Gene: CDH1 (cadherin 1; plus strand). Cytogenetic location: 16q22.1.
Variant type: single nucleotide variant.
Coding change: c.2390A>G on transcript NM_004360.5 (MANE Select); coding-DNA position 2390, A replaced by G.
Protein change: p.Tyr797Cys; replaces tyrosine 797 with cysteine.
Molecular consequence: missense variant.
Genome position (GRCh38, 1-based): chr16:68,829,748, A>G. VCF-style: chr16-68829748-A-G. GRCh37 (hg19) VCF-style: chr16-68863651-A-G.
Other names: c.2390A>G (LRG_301t1); c.2207A>G, p.Tyr736Cys (NM_001317184.2); c.842A>G, p.Tyr281Cys (NM_001317185.2); c.425A>G, p.Tyr142Cys (NM_001317186.2); short protein forms Y797C, Y281C, Y736C, Y142C.
Identifiers: ClinVar variation 142338 (VCV000142338.16), dbSNP rs587782394, ClinGen allele CA168112.
Genomic context (GRCh38, chr16:68,829,748, plus strand): 5'-ACGCTCGGCCTGAAGTGACTCGTAACGACGTTGCACCAACCCTCATGAGTGTCCCCCGGT[A>G]TCTTCCCCGCCCTGCCAATCCCGATGAAATTGGAAATTTTATTGATGAAGTAAGTAATCC-3'
Protein context (NP_004351.1, residues 787-807): VAPTLMSVPR[Tyr797Cys]LPRPANPDEI